The following is an entry in ClinVar:

ClinVar aggregate classification (germline): Uncertain significance (1 of 4 stars; one submission).

Conditions:
Nemaline myopathy 2 (NEM2). Also called: Nemaline myopathy 2, autosomal recessive. Identifiers: MedGen C1850569, MONDO:0009725, OMIM 256030.

gnomAD v4.1: 1 of 1,603,068 alleles (0.000062%); highest among the groups gnomAD compares: Non-Finnish European, 0.000085%; no homozygotes.

Submission:

Labcorp Genetics (formerly Invitae), Labcorp
Classification: Uncertain significance for Nemaline myopathy 2. Last evaluated: 2021-08-31. Review status: criteria provided, single submitter. Criteria: Invitae Variant Classification Sherloc (09022015). Collection method: clinical testing. Allele origin: germline.
Comment: This sequence change replaces tyrosine with cysteine at codon 4007 of the NEB protein (p.Tyr4007Cys). The tyrosine residue is moderately conserved and there is a large physicochemical difference between tyrosine and cysteine. This variant is not present in population databases (ExAC no frequency). This variant has not been reported in the literature in individuals affected with NEB-related conditions. Algorithms developed to predict the effect of missense changes on protein structure and function are either unavailable or do not agree on the potential impact of this missense change (SIFT: "Deleterious"; PolyPhen-2: "Not Available"; Align-GVGD: "Class C0"). In summary, the available evidence is currently insufficient to determine the role of this variant in disease. Therefore, it has been classified as a Variant of Uncertain Significance.

NM_001164508.2(NEB):c.12020A>G (p.Tyr4007Cys)

Gene: NEB (nebulin; minus strand). Cytogenetic location: 2q23.3.
Variant type: single nucleotide variant.
Coding change: c.12020A>G on transcript NM_001164508.2 (MANE Select); coding-DNA position 12020, A replaced by G.
Protein change: p.Tyr4007Cys; replaces tyrosine 4007 with cysteine.
Molecular consequence: missense variant.
Genome position (GRCh38, 1-based): chr2:151,610,119, T>C on the plus strand (A>G on the coding strand, the complement: NEB is on the minus strand). VCF-style: chr2-151610119-T-C. GRCh37 (hg19) VCF-style: chr2-152466633-T-C.
Other names: c.12020A>G, p.Tyr4007Cys (NM_001164507.2, NM_001271208.2); c.11291A>G, p.Tyr3764Cys (NM_004543.5); short protein forms Y4007C, Y3764C.
Identifiers: ClinVar variation 1400294 (VCV001400294.5), dbSNP rs758528247, ClinGen allele CA348777973.